The following is an entry in ClinVar:

NM_004132.5(HABP2):c.775A>G (p.Ile259Val)

Gene: HABP2 (hyaluronan binding protein 2; plus strand). Cytogenetic location: 10q25.3.
Variant type: single nucleotide variant.
Coding change: c.775A>G on transcript NM_004132.5 (MANE Select); coding-DNA position 775, A replaced by G.
Protein change: p.Ile259Val; replaces isoleucine 259 with valine.
Molecular consequence: missense variant.
Genome position (GRCh38, 1-based): chr10:113,580,629, A>G. VCF-style: chr10-113580629-A-G. GRCh37 (hg19) VCF-style: chr10-115340388-A-G.
Other names: c.697A>G, p.Ile233Val (NM_001177660.3); short protein forms I233V, I259V.
Identifiers: ClinVar variation 4887208 (VCV004887208.1).

ClinVar aggregate classification (germline): Uncertain significance (1 of 4 stars; one submission).

gnomAD v4.1: 58 of 1,602,856 alleles (0.0036%); highest among the groups gnomAD compares: Non-Finnish European, 0.0046%; no homozygotes.

Submission:

Women's Health and Genetics/Laboratory Corporation of America, LabCorp
Classification: Uncertain significance. Last evaluated: 2026-06-16. Review status: criteria provided, single submitter. Criteria: LabCorp Variant Classification Summary - May 2015. Collection method: clinical testing. Allele origin: germline.
Comment: Variant summary: HABP2 c.775A>G (p.Ile259Val) results in a conservative amino acid change in the encoded protein sequence. Algorithms developed to predict the effect of missense changes on protein structure and function all suggest that this variant is likely to be tolerated. The variant allele was found at a frequency of 3.2e-05 in 251462 control chromosomes. The available data on variant occurrences in the general population are insufficient to allow any conclusion about variant significance. To our knowledge, no occurrence of c.775A>G in individuals affected with HABP2-related conditions and no experimental evidence demonstrating its impact on protein function have been reported. No submitters have cited clinical-significance assessments for this variant to ClinVar. Based on the evidence outlined above, the variant was classified as uncertain significance.